The following is an entry in ClinVar:

ClinVar aggregate classification (germline): Uncertain significance. Review status: criteria provided, single submitter (1 of 4 stars). 2 submissions from 1 submitter: Uncertain significance (2). Last evaluated 2018-02-08.

Conditions:
Ehlers-Danlos syndrome, type 4 (EDSVASC). Also called: Ehlers-Danlos syndrome vascular type; Ehlers Danlos syndrome, ecchymotic type; Ehlers Danlos syndrome, arterial type; Ehlers Danlos syndrome, Sack-Barabas type; Ehlers-Danlos Syndrome Type IV. Identifiers: Orphanet 286, MedGen C0268338, MONDO:0017314, OMIM 130050.
Polymicrogyria with or without vascular-type Ehlers-Danlos syndrome. Identifiers: Orphanet 636941, MedGen C5193040, MONDO:0032688, OMIM 618343.

Submissions (2):

Center for Genomics, Ann and Robert H. Lurie Children's Hospital of Chicago
Classification: Uncertain significance for Ehlers-Danlos syndrome, type 4. Last evaluated: 2018-02-08. Review status: criteria provided, single submitter. Criteria: ACMG Guidelines, 2015. Collection method: clinical testing. Allele origin: germline.
Comment: COL3A1 NM_000090.3 exon 45 p.Gly1104Gly (c.3312C>T): This variant has not been reported in the literature and is not present in large control databases. Evolutionary conservation and computational predictive tools for this variant are limited or unavailable. Of note, this variant is a silent variant and does not change the amino acid, reducing the probability that this variant is disease causing. In summary, data on this variant is insufficient for disease classification. Therefore, the clinical significance of this variant is uncertain.

Center for Genomics, Ann and Robert H. Lurie Children's Hospital of Chicago
Classification: Uncertain significance for Ehlers-Danlos syndrome, type 4; Polymicrogyria with or without vascular-type Ehlers-Danlos syndrome. Review status: criteria provided, single submitter. Criteria: ACMG Guidelines, 2015. Collection method: clinical testing. Allele origin: germline.
Comment: the same text as in the submission from Center for Genomics, Ann and Robert H. Lurie Children's Hospital of Chicago above.

NM_000090.4(COL3A1):c.3312C>T (p.Gly1104=)

Gene: COL3A1 (collagen type III alpha 1 chain; plus strand). Cytogenetic location: 2q32.2.
Variant type: single nucleotide variant.
Coding change: c.3312C>T on transcript NM_000090.4 (MANE Select); coding-DNA position 3312, C replaced by T.
Protein change: p.Gly1104=; no amino-acid change (glycine 1104 retained).
Molecular consequence: synonymous variant.
Genome position (GRCh38, 1-based): chr2:189,007,556, C>T. VCF-style: chr2-189007556-C-T. GRCh37 (hg19) VCF-style: chr2-189872282-C-T.
Identifiers: ClinVar variation 625922 (VCV000625922.3), dbSNP rs752919642, ClinGen allele CA430313299.
Genomic context (GRCh38, chr2:189,007,556, plus strand): 5'-AAAGGGTCCTCAAGGCCCACGTGGTGACAAAGGTGAAACAGGTGAACGTGGAGCTGCTGG[C>T]ATCAAAGGACATCGAGGATTCCCTGGTAATCCAGGTGCCCCAGGTTCTCCAGTAAGTGCA-3'
Protein context (NP_000081.2, residues 1094-1114): KGETGERGAA[Gly1104=]IKGHRGFPGN